The following is an entry in ClinVar:

ClinVar aggregate classification (germline): Uncertain significance (1 of 4 stars; one submission).

Conditions:
PLXNA4-related disorder. Also called: PLXNA4-related condition.

gnomAD v4.1: 1 of 1,614,170 alleles (0.000062%); highest among the groups gnomAD compares: Non-Finnish European, 0.000085%; no homozygotes.

Submission:

PreventionGenetics, part of Exact Sciences
Classification: Uncertain significance for PLXNA4-related condition. Last evaluated: 2025-03-27. Review status: criteria provided, single submitter. Criteria: ACMG Guidelines, 2015. Collection method: clinical testing. Allele origin: germline.
Comment: The PLXNA4 c.3395A>G variant is predicted to result in the amino acid substitution p.Asn1132Ser. To our knowledge, this variant has not been reported in the literature or in a large population database (gnomAD), indicating this variant is rare. At this time, the clinical significance of this variant is uncertain due to the absence of conclusive functional and genetic evidence.

NM_020911.2(PLXNA4):c.3395A>G (p.Asn1132Ser)

Gene: PLXNA4 (plexin A4; minus strand). Cytogenetic location: 7q32.3.
Variant type: single nucleotide variant.
Coding change: c.3395A>G on transcript NM_020911.2 (MANE Select); coding-DNA position 3395, A replaced by G.
Protein change: p.Asn1132Ser; replaces asparagine 1132 with serine.
Molecular consequence: missense variant.
Genome position (GRCh38, 1-based): chr7:132,181,478, T>C on the plus strand (A>G on the coding strand, the complement: PLXNA4 is on the minus strand). VCF-style: chr7-132181478-T-C. GRCh37 (hg19) VCF-style: chr7-131866237-T-C.
Other names: c.3395A>G, p.Asn1132Ser (NM_001393897.1); short protein forms N1132S.
Identifiers: ClinVar variation 4996822 (VCV004996822.1).